The following is an entry in ClinVar:

NM_000744.7(CHRNA4):c.373C>T (p.Leu125Phe)

Genes: CHRNA4 (cholinergic receptor nicotinic alpha 4 subunit; minus strand), LOC126863087 (P300/CBP strongly-dependent group 1 enhancer GRCh37_chr20:61986832-61988031; plus strand). Cytogenetic location: 20q13.33.
Variant type: single nucleotide variant.
Coding change: c.373C>T on transcript NM_000744.7 (MANE Select); coding-DNA position 373, C replaced by T.
Protein change: p.Leu125Phe; replaces leucine 125 with phenylalanine.
Molecular consequence: missense variant. On other transcripts: 5 prime UTR variant (1), non-coding transcript variant (1).
Genome position (GRCh38, 1-based): chr20:63,355,985, G>A on the plus strand (C>T on the coding strand, the complement: CHRNA4 is on the minus strand). VCF-style: chr20-63355985-G-A. GRCh37 (hg19) VCF-style: chr20-61987337-G-A.
Other names: c.-174C>T (NM_001256573.2); short protein forms L125F.
Identifiers: ClinVar variation 582135 (VCV000582135.9), dbSNP rs1568816521, ClinGen allele CA409641050.

ClinVar aggregate classification (germline): Uncertain significance (1 of 4 stars; one submission).

Conditions:
Familial sleep-related hypermotor epilepsy. Also called: Autosomal Dominant Sleep-Related Hypermotor (Hyperkinetic) Epilepsy. Identifiers: Orphanet 98784, MedGen C3696898, MONDO:0000030.

Submission:

Labcorp Genetics (formerly Invitae), Labcorp
Classification: Uncertain significance. Last evaluated: 2018-06-04. Review status: criteria provided, single submitter. Criteria: Invitae Variant Classification Sherloc (09022015). Collection method: clinical testing. Allele origin: germline.
Comment: This variant has not been reported in the literature in individuals with CHRNA4-related disease. In summary, the available evidence is currently insufficient to determine the role of this variant in disease. Therefore, it has been classified as a Variant of Uncertain Significance. Algorithms developed to predict the effect of missense changes on protein structure and function are either unavailable or do not agree on the potential impact of this missense change (SIFT: "Deleterious"; PolyPhen-2: "Probably Damaging"; Align-GVGD: "Class C0"). This variant is not present in population databases (ExAC no frequency). This sequence change replaces leucine with phenylalanine at codon 125 of the CHRNA4 protein (p.Leu125Phe). The leucine residue is highly conserved and there is a small physicochemical difference between leucine and phenylalanine.